The following is an entry in ClinVar:

ClinVar aggregate classification (germline): Pathogenic (1 of 4 stars; one submission).

Conditions:
DICER1-related tumor predisposition. Also called: DICER1 syndrome; DICER1-related pleuropulmonary blastoma cancer predisposition syndrome. Identifiers: Orphanet 284343, MedGen C3839822, MONDO:0100216.

Submission:

Labcorp Genetics (formerly Invitae), Labcorp
Classification: Pathogenic for DICER1-related tumor predisposition. Last evaluated: 2020-10-02. Review status: criteria provided, single submitter. Criteria: Invitae Variant Classification Sherloc (09022015). Collection method: clinical testing. Allele origin: germline.
Comment: For these reasons, this variant has been classified as Pathogenic. Loss-of-function variants in DICER1 are known to be pathogenic (PMID: 19556464, 21266384). This variant has not been reported in the literature in individuals with DICER1-related conditions. This variant is not present in population databases (ExAC no frequency). This sequence change creates a premature translational stop signal (p.Glu1520*) in the DICER1 gene. It is expected to result in an absent or disrupted protein product.

Literature cited by the submitters: PubMed 19556464; PubMed 21266384.

NM_177438.3(DICER1):c.4558G>T (p.Glu1520Ter)

Gene: DICER1 (dicer 1, ribonuclease III; minus strand). Cytogenetic location: 14q32.13.
Variant type: single nucleotide variant.
Coding change: c.4558G>T on transcript NM_177438.3 (MANE Select); coding-DNA position 4558, G replaced by T.
Protein change: p.Glu1520Ter; replaces glutamic acid 1520 with a stop codon.
Molecular consequence: nonsense.
Genome position (GRCh38, 1-based): chr14:95,096,362, C>A on the plus strand (G>T on the coding strand, the complement: DICER1 is on the minus strand). VCF-style: chr14-95096362-C-A. GRCh37 (hg19) VCF-style: chr14-95562699-C-A.
Other names: c.4558G>T, p.Glu1520Ter (NM_001195573.1, NM_001271282.3, NM_001291628.2 and 1 more transcripts); short protein forms E1520*.
Identifiers: ClinVar variation 1074780 (VCV001074780.8), dbSNP rs1170730150, ClinGen allele CA390867820.